The following is an entry in ClinVar:

NM_006846.4(SPINK5):c.2382T>C (p.Pro794=)

Gene: SPINK5 (serine peptidase inhibitor Kazal type 5; plus strand). Cytogenetic location: 5q32.
Variant type: single nucleotide variant.
Coding change: c.2382T>C on transcript NM_006846.4 (MANE Select); coding-DNA position 2382, T replaced by C.
Protein change: p.Pro794=; no amino-acid change (proline 794 retained).
Molecular consequence: synonymous variant.
Genome position (GRCh38, 1-based): chr5:148,120,077, T>C. VCF-style: chr5-148120077-T-C. GRCh37 (hg19) VCF-style: chr5-147499640-T-C.
Other names: p.Pro794=; c.2382T>C, p.Pro794= (NM_001127698.2, NM_001127699.2).
Identifiers: ClinVar variation 459572 (VCV000459572.14), dbSNP rs188840406, ClinGen allele CA3495973.

ClinVar aggregate classification (germline): Benign/Likely benign. Review status: criteria provided, multiple submitters, no conflicts (2 of 4 stars). 3 submissions from 3 submitters: Benign (1); Likely benign (2). Last evaluated 2026-01-24.

Conditions:
Ichthyosis linearis circumflexa. Identifiers: MedGen C0265962, MONDO:0043106, HP:0025810.

Allele frequency attached by ClinVar (database versions not stated): gnomAD exomes 0.00010 and 0.00024; ExAC 0.00022; ESP Exome Variant Server 0.00076; gnomAD 0.00099 and 0.00105; TOPMed 0.00110; 1000 Genomes Project 0.00140; 1000 Genomes Project 30x 0.00156.
gnomAD v4.1: 290 of 1,614,094 alleles (0.018%); highest among the groups gnomAD compares: African/African-American, 0.36%; no homozygotes.

Submissions (3):

Labcorp Genetics (formerly Invitae), Labcorp
Classification: Benign for Ichthyosis linearis circumflexa. Last evaluated: 2026-01-24. Review status: criteria provided, single submitter. Criteria: Invitae Variant Classification Sherloc (09022015). Collection method: clinical testing. Allele origin: germline.

Mayo Clinic Laboratories, Mayo Clinic
Classification: Likely benign. Last evaluated: 2025-12-18. Review status: criteria provided, single submitter. Criteria: ACMG Guidelines, 2015. Collection method: clinical testing. Allele origin: germline. Observed: 1 variant allele.
Comment: BS1, BP4, BP7

Blueprint Genetics
Classification: Likely benign. Last evaluated: 2024-09-19. Review status: criteria provided, single submitter. Criteria: ACMG Guidelines, 2015. Collection method: clinical testing. Allele origin: germline.